The following is an entry in ClinVar:

ClinVar aggregate classification (germline): Pathogenic (1 of 4 stars; one submission).

Conditions:
Wolfram syndrome 1 (WFS1). Identifiers: Orphanet 3463, MedGen C4551693, MONDO:0009101, OMIM 222300.

Submission:

3billion
Classification: Pathogenic for Wolfram syndrome 1. Last evaluated: 2024-02-14. Review status: criteria provided, single submitter. Criteria: ACMG Guidelines, 2015. Collection method: clinical testing. Allele origin: germline. Affected: yes.
Comment: The variant is not observed in the gnomAD v2.1.1 dataset. Predicted Consequence/Location: Stop-gained (nonsense): predicted to result in a loss or disruption of normal protein function through nonsense-mediated decay (NMD) or protein truncation. Multiple pathogenic variants are reported downstream of the variant. Therefore, this variant is classified as Pathogenic according to the recommendation of ACMG/AMP guideline.

NM_006005.3(WFS1):c.762C>G (p.Tyr254Ter)

Gene: WFS1 (wolframin ER transmembrane glycoprotein; plus strand). Cytogenetic location: 4p16.1.
Variant type: single nucleotide variant.
Coding change: c.762C>G on transcript NM_006005.3 (MANE Select); coding-DNA position 762, C replaced by G.
Protein change: p.Tyr254Ter; replaces tyrosine 254 with a stop codon.
Molecular consequence: nonsense.
Genome position (GRCh38, 1-based): chr4:6,295,090, C>G. VCF-style: chr4-6295090-C-G. GRCh37 (hg19) VCF-style: chr4-6296817-C-G.
Other names: c.762C>G, p.Tyr254Ter (NM_001145853.1); short protein forms Y254*.
Identifiers: ClinVar variation 3775692 (VCV003775692.1).